The following is an entry in ClinVar:

ClinVar aggregate classification (germline): Uncertain significance (1 of 4 stars; one submission).

Submission:

GeneDx
Classification: Uncertain significance. Last evaluated: 2023-11-22. Review status: criteria provided, single submitter. Criteria: GeneDx Variant Classification Process June 2021. Collection method: clinical testing. Allele origin: germline. Affected: yes.
Comment: Not observed at significant frequency in large population cohorts (gnomAD); Missense variants in this gene are a common cause of disease and they are underrepresented in the general population; In silico analysis supports that this missense variant has a deleterious effect on protein structure/function; Has not been previously published as pathogenic or benign to our knowledge

NM_001184880.2(PCDH19):c.1801G>C (p.Gly601Arg)

Gene: PCDH19 (protocadherin 19; minus strand). Cytogenetic location: Xq22.1.
Variant type: single nucleotide variant.
Coding change: c.1801G>C on transcript NM_001184880.2 (MANE Select); coding-DNA position 1801, G replaced by C.
Protein change: p.Gly601Arg; replaces glycine 601 with arginine.
Molecular consequence: missense variant.
Genome position (GRCh38, 1-based): chrX:100,406,797, C>G on the plus strand (G>C on the coding strand, the complement: PCDH19 is on the minus strand). VCF-style: chrX-100406797-C-G. GRCh37 (hg19) VCF-style: chrX-99661795-C-G.
Other names: c.1801G>C, p.Gly601Arg (NM_001105243.2, NM_020766.3); short protein forms G601R.
Identifiers: ClinVar variation 3364719 (VCV003364719.1).